The following is an entry in ClinVar:

ClinVar aggregate classification (germline): Pathogenic (1 of 4 stars; one submission).

Conditions:
Cardiovascular phenotype. Identifiers: MedGen CN230736.

Submission:

Ambry Genetics
Classification: Pathogenic for Cardiovascular phenotype. Last evaluated: 2026-06-10. Review status: criteria provided, single submitter. Criteria: Ambry Variant Classification Scheme 2023. Collection method: clinical testing. Allele origin: germline.
Comment: The c.9038delA pathogenic mutation, located in coding exon 60 of the DMD gene, results from a deletion of one nucleotide at nucleotide position 9038, causing a translational frameshift with a predicted alternate stop codon (p.N3013Tfs*8). This variant is considered to be rare based on population cohorts in the Genome Aggregation Database (gnomAD). This alteration is expected to result in loss of function by premature protein truncation or nonsense-mediated mRNA decay. As such, this alteration is interpreted as a disease-causing mutation.

NM_004006.3(DMD):c.9038del (p.Asn3013fs)

Gene: DMD (dystrophin; minus strand). Cytogenetic location: Xp21.2.
Variant type: Deletion.
Coding change: c.9038del on transcript NM_004006.3 (MANE Select); coding-DNA position 9038, one base deleted (A; older notation c.9038delA).
Protein change: p.Asn3013fs; shifts the reading frame from asparagine 3013.
Molecular consequence: frameshift variant.
Genome position (GRCh38, 1-based): chrX:31,444,527, T deleted on the plus strand (A on the coding strand, the reverse complement: DMD is on the minus strand); the first of 2 consecutive T bases (chrX:31,444,527-31,444,528); deleting either gives the same sequence. VCF-style (leftmost placement, unchanged base first): chrX-31444526-GT-G. GRCh37 (hg19) VCF-style: chrX-31462643-GT-G.
Other names: c.9038delA (NM_004006.2); c.9014del, p.Asn3005fs (NM_000109.4); c.9026del, p.Asn3009fs (NM_004009.3); c.8669del, p.Asn2890fs (NM_004010.3); c.5015del, p.Asn1672fs (NM_004011.4); c.5006del, p.Asn1669fs (NM_004012.4); c.1658del, p.Asn553fs (NM_004013.3, NM_004020.4, NM_004021.3 and 2 more transcripts); c.851del, p.Asn284fs (NM_004014.3); short protein forms N1669fs, N1672fs, N284fs, N2890fs, N3005fs, N3009fs, N3013fs, N553fs.
Identifiers: ClinVar variation 4869877 (VCV004869877.1).
Genomic context (GRCh38, chrX:31,444,526, plus strand): 5'-TTACAATGTGCTTACCTGCAGAAGCTTCCATCTGGTGTTCAGGTCTTCCAGAGTGCTGAG[GT>G]TATACGGTGAGAGCTGAATGCCCAAAGTGGTAAGCTGGCGAGCAAGGTCATTGACGTGGC-3'